The following is an entry in ClinVar:

NM_003242.6(TGFBR2):c.264-19A>G

Gene: TGFBR2 (transforming growth factor beta receptor 2; plus strand). Cytogenetic location: 3p24.1.
Variant type: single nucleotide variant.
Coding change: c.264-19A>G on transcript NM_003242.6 (MANE Select); 19 bases into the intron before coding-DNA position 264, A replaced by G.
Molecular consequence: intron variant.
Genome position (GRCh38, 1-based): chr3:30,650,251, A>G. VCF-style: chr3-30650251-A-G. GRCh37 (hg19) VCF-style: chr3-30691743-A-G.
Other names: c.159-19A>G (NM_001407129.1, NM_001407132.1, NM_001407136.1 and 3 more transcripts); c.339-19A>G (NM_001407126.1, NM_001024847.3, NM_001407139.1); c.170-21387A>G (NM_001407137.1); c.264-19A>G (NM_001407127.1, NM_001407130.1); c.95-21387A>G (NM_001407138.1); c.291-19A>G (NM_001407128.1).
Identifiers: ClinVar variation 3714565 (VCV003714565.3).
Genomic context (GRCh38, chr3:30,650,251, plus strand): 5'-GTCTGGAGGCCATATTATTCATTTATTCTCTTTCTCTCTCTCCCTCTCCCCTCGCTTCCA[A>G]TGAATCTCTTCACTCTAGGAGAAAGAATGACGAGAACATAACACTAGAGACAGTTTGCCA-3'

ClinVar aggregate classification (germline): Uncertain significance. Review status: criteria provided, multiple submitters, no conflicts (2 of 4 stars). 2 submissions from 2 submitters: Uncertain significance (2). Last evaluated 2025-03-09.

Conditions:
Familial thoracic aortic aneurysm and aortic dissection (TAAD). Also called: Thoracic aortic aneurysms and dissections. Identifiers: Orphanet 91387, MedGen C4707243, MONDO:0019625.

gnomAD v4.1: 3 of 1,612,924 alleles (0.00019%); highest among the groups gnomAD compares: Non-Finnish European, 0.00017%; no homozygotes.

Submissions (2):

Labcorp Genetics (formerly Invitae), Labcorp
Classification: Uncertain significance for Familial thoracic aortic aneurysm and aortic dissection. Last evaluated: 2025-03-09. Review status: criteria provided, single submitter. Criteria: Invitae Variant Classification Sherloc (09022015). Collection method: clinical testing. Allele origin: germline.
Comment: This sequence change falls in intron 2 of the TGFBR2 gene. It does not directly change the encoded amino acid sequence of the TGFBR2 protein. This variant is not present in population databases (gnomAD no frequency). This variant has not been reported in the literature in individuals affected with TGFBR2-related conditions. Algorithms developed to predict the effect of sequence changes on RNA splicing suggest that this variant may disrupt the consensus splice site. In summary, the available evidence is currently insufficient to determine the role of this variant in disease. Therefore, it has been classified as a Variant of Uncertain Significance.

Blueprint Genetics
Classification: Uncertain significance. Last evaluated: 2019-04-29. Review status: criteria provided, single submitter. Criteria: ACMG Guidelines, 2015. Collection method: clinical testing. Allele origin: germline.